The following is an entry in ClinVar:

ClinVar aggregate classification (germline): Uncertain significance (1 of 4 stars; one submission).

gnomAD v4.1: 7 of 1,614,126 alleles (0.00043%); highest among the groups gnomAD compares: South Asian, 0.0077%; no homozygotes.

Submission:

CeGaT Center for Human Genetics Tuebingen
Classification: Uncertain significance. Last evaluated: 2025-07-01. Review status: criteria provided, single submitter. Criteria: CeGaT Center For Human Genetics Tuebingen Variant Classification Criteria Version 2. Collection method: clinical testing. Allele origin: germline. Affected: yes. Observed: 1 variant allele.
Comment: ABCG5: PM2

NM_022436.3(ABCG5):c.1397C>T (p.Ala466Val)

Genes: ABCG5 (ATP binding cassette subfamily G member 5; minus strand), DYNC2LI1 (dynein cytoplasmic 2 light intermediate chain 1; plus strand). Cytogenetic location: 2p21.
Variant type: single nucleotide variant.
Coding change: c.1397C>T on transcript NM_022436.3 (MANE Select); coding-DNA position 1397, C replaced by T.
Protein change: p.Ala466Val; replaces alanine 466 with valine.
Molecular consequence: missense variant. On other transcripts: intron variant (2).
Genome position (GRCh38, 1-based): chr2:43,822,863, G>A on the plus strand (C>T on the coding strand, the complement: ABCG5 is on the minus strand). VCF-style: chr2-43822863-G-A. GRCh37 (hg19) VCF-style: chr2-44050002-G-A.
Other names: c.*16-4523G>A (NM_001348913.2, NM_001348912.2); short protein forms A466V.
Identifiers: ClinVar variation 4085360 (VCV004085360.8).